The following is an entry in ClinVar:

ClinVar aggregate classification (germline): Likely benign (1 of 4 stars; one submission).

Allele frequency attached by ClinVar (database versions not stated): ESP Exome Variant Server 0.00008; ExAC 0.00016; gnomAD 0.00022; gnomAD exomes 0.00024; TOPMed 0.00027.
gnomAD v4.1: 379 of 1,614,084 alleles (0.023%); highest among the groups gnomAD compares: Middle Eastern, 0.049%; no homozygotes.

Submission:

CeGaT Center for Human Genetics Tuebingen
Classification: Likely benign. Last evaluated: 2023-01-01. Review status: criteria provided, single submitter. Criteria: CeGaT Center For Human Genetics Tuebingen Variant Classification Criteria Version 2. Collection method: clinical testing. Allele origin: germline. Affected: yes. Observed: 1 variant allele.
Comment: MYH1: BP4, BP7

NM_005963.4(MYH1):c.2574A>G (p.Glu858=)

Genes: MYH1 (myosin heavy chain 1; minus strand), MYHAS (myosin heavy chain gene cluster antisense RNA; plus strand), LOC126862499 (MED14-independent group 3 enhancer GRCh37_chr17:10407979-10409178; plus strand). Cytogenetic location: 17p13.1.
Variant type: single nucleotide variant.
Coding change: c.2574A>G on transcript NM_005963.4 (MANE Select); coding-DNA position 2574, A replaced by G.
Protein change: p.Glu858=; no amino-acid change (glutamic acid 858 retained).
Molecular consequence: synonymous variant.
Genome position (GRCh38, 1-based): chr17:10,504,927, T>C on the plus strand (A>G on the coding strand, the complement: MYH1 is on the minus strand). VCF-style: chr17-10504927-T-C. GRCh37 (hg19) VCF-style: chr17-10408244-T-C.
Identifiers: ClinVar variation 2647476 (VCV002647476.24), dbSNP rs200087261, ClinGen allele CA035364.
Genomic context (GRCh38, chr17:10,504,927, plus strand): 5'-TTCCAGCTCTTTCCTTTTTGCCTCGGTCTTAGCCAGCTCTTCTTTGGTTTTCTCAAATTC[T>C]TCCTTCATGTTGGCCATCTCCTTCTCTGTCTCTGCACTTTTGAGGAGGGGTTTGATCTTG-3'
Protein context (NP_005954.3, residues 848-868): ETEKEMANMK[Glu858=]EFEKTKEELA